The following is an entry in ClinVar:

NM_001130438.3(SPTAN1):c.7256G>A (p.Arg2419Gln)

Gene: SPTAN1 (spectrin alpha, non-erythrocytic 1; plus strand). Cytogenetic location: 9q34.11.
Variant type: single nucleotide variant.
Coding change: c.7256G>A on transcript NM_001130438.3 (MANE Select); coding-DNA position 7256, G replaced by A.
Protein change: p.Arg2419Gln; replaces arginine 2419 with glutamine.
Molecular consequence: missense variant.
Genome position (GRCh38, 1-based): chr9:128,632,903, G>A. VCF-style: chr9-128632903-G-A. GRCh37 (hg19) VCF-style: chr9-131395182-G-A.
Other names: c.7181G>A, p.Arg2394Gln (NM_001195532.2); c.7319G>A, p.Arg2440Gln (NM_001363759.2); c.7196G>A, p.Arg2399Gln (NM_001363765.2); c.7241G>A, p.Arg2414Gln (NM_003127.4); short protein forms R2419Q, R2399Q, R2394Q, R2440Q, R2414Q.
Identifiers: ClinVar variation 461237 (VCV000461237.12), dbSNP rs772995493, ClinGen allele CA5266044.

ClinVar aggregate classification (germline): Uncertain significance. Review status: criteria provided, multiple submitters, no conflicts (2 of 4 stars). 4 submissions from 4 submitters: Uncertain significance (4). Last evaluated 2026-01-12.

Conditions:
Early-infantile DEE. Also called: Early infantile epileptic encephalopathy; Ohtahara syndrome; Early infantile epileptic encephalopathy with suppression bursts. Identifiers: Orphanet 1934, MedGen C0393706, MONDO:0800491.
SPTAN1-related disorder. Also called: SPTAN1-related disorders; SPTAN1-related condition.
Developmental and epileptic encephalopathy, 5 (DEE5). Identifiers: Orphanet 3451, MedGen C3150731, MONDO:0013277, OMIM 613477.

Allele frequency attached by ClinVar (database versions not stated): gnomAD 0.00001; gnomAD exomes 0.00001; TOPMed 0.00001; ExAC 0.00002.
gnomAD v4.1: 26 of 1,613,626 alleles (0.0016%); highest among the groups gnomAD compares: East Asian, 0.0022%; no homozygotes.

Submissions (4):

Labcorp Genetics (formerly Invitae), Labcorp
Classification: Uncertain significance for Early-infantile DEE. Last evaluated: 2026-01-12. Review status: criteria provided, single submitter. Criteria: Invitae Variant Classification Sherloc (09022015). Collection method: clinical testing. Allele origin: germline.
Comment: This sequence change replaces arginine, which is basic and polar, with glutamine, which is neutral and polar, at codon 2419 of the SPTAN1 protein (p.Arg2419Gln). This variant is present in population databases (rs772995493, gnomAD 0.003%). This missense change has been observed in individual(s) with clinical features of SPTAN1-related conditions (internal data). ClinVar contains an entry for this variant (Variation ID: 461237). Invitae Evidence Modeling of protein sequence and biophysical properties (such as structural, functional, and spatial information, amino acid conservation, physicochemical variation, residue mobility, and thermodynamic stability) has been performed for this missense variant. However, the output from this modeling did not meet the statistical confidence thresholds required to predict the impact of this variant on SPTAN1 protein function. In summary, the available evidence is currently insufficient to determine the role of this variant in disease. Therefore, it has been classified as a Variant of Uncertain Significance.

PreventionGenetics, part of Exact Sciences
Classification: Uncertain significance for SPTAN1-related condition. Last evaluated: 2024-11-26. Review status: criteria provided, single submitter. Criteria: ACMG Guidelines, 2015. Collection method: clinical testing. Allele origin: germline.
Comment: The SPTAN1 c.7256G>A variant is predicted to result in the amino acid substitution p.Arg2419Gln. To our knowledge, this variant has not been reported in the literature. This variant is reported in 0.0033% of alleles in individuals of South Asian descent in gnomAD. At this time, the clinical significance of this variant is uncertain due to the absence of conclusive functional and genetic evidence.

Genome-Nilou Lab
Classification: Uncertain significance for Developmental and epileptic encephalopathy, 5. Last evaluated: 2021-07-15. Review status: criteria provided, single submitter. Criteria: ACMG Guidelines, 2015. Collection method: clinical testing. Allele origin: germline. Affected: no.

Fulgent Genetics
Classification: Uncertain significance for Developmental and epileptic encephalopathy, 5. Last evaluated: 2018-10-31. Review status: criteria provided, single submitter. Criteria: ACMG Guidelines, 2015. Collection method: clinical testing. Allele origin: unknown.